The following is an entry in ClinVar:

NM_000071.3(CBS):c.*34G>A

Gene: CBS (cystathionine beta-synthase; minus strand). Cytogenetic location: 21q22.3.
Variant type: single nucleotide variant.
Coding change: c.*34G>A on transcript NM_000071.3 (MANE Select); 34 bases downstream of the stop codon, G replaced by A.
Molecular consequence: 3 prime UTR variant. On other transcripts: intron variant (1).
Genome position (GRCh38, 1-based): chr21:43,053,846, C>T on the plus strand (G>A on the coding strand, the complement: CBS is on the minus strand). VCF-style: chr21-43053846-C-T. GRCh37 (hg19) VCF-style: chr21-44473956-C-T.
Other names: c.*34G>A (NM_001178008.3, NM_001320298.2, NM_001321072.1); c.*18+16G>A (NM_001178009.3).
Identifiers: ClinVar variation 377631 (VCV000377631.5), dbSNP rs374464201, ClinGen allele CA16608067.

ClinVar aggregate classification (germline): Benign/Likely benign. Review status: criteria provided, multiple submitters, no conflicts (2 of 4 stars). 2 submissions from 2 submitters: Benign (1); Likely benign (1). Last evaluated 2018-01-13.

Conditions:
Classic homocystinuria. Also called: Homocystinuria due to Cystathionine Beta-Synthase Deficiency; Homocystinuria due to CBS deficiency; Cystathionine beta-synthase deficiency; CBS deficiency; HOMOCYSTINURIA WITH OR WITHOUT RESPONSE TO PYRIDOXINE. Identifiers: Orphanet 394, MedGen C0751202, MONDO:0009352, OMIM 236200.

Allele frequency attached by ClinVar (database versions not stated): gnomAD exomes 0.00053; ExAC 0.00059; 1000 Genomes Project 0.00160; ESP Exome Variant Server 0.00200; gnomAD 0.00214.

Submissions (2):

Illumina Laboratory Services, Illumina
Classification: Likely benign for Classic homocystinuria. Last evaluated: 2018-01-13. Review status: criteria provided, single submitter. Criteria: ICSL Variant Classification Criteria 13 December 2019. Collection method: clinical testing. Allele origin: germline.
Comment: This variant was observed in the ICSL laboratory as part of a predisposition screen in an ostensibly healthy population. It had not been previously curated by ICSL or reported in the Human Gene Mutation Database (HGMD: prior to June 1st, 2018), and was therefore a candidate for classification through an automated scoring system. Utilizing variant allele frequency, disease prevalence and penetrance estimates, and inheritance mode, an automated score was calculated to assess if this variant is too frequent to cause the disease. Based on the score and internal cut-off values, a variant classified as likely benign is not then subjected to further curation. The score for this variant resulted in a classification of likely benign for this disease.

GeneDx
Classification: Benign. Last evaluated: 2015-12-29. Review status: criteria provided, single submitter. Criteria: GeneDx Variant Classification (06012015). Collection method: clinical testing. Allele origin: germline. Affected: yes.
Comment: This variant is considered likely benign or benign based on one or more of the following criteria: it is a conservative change, it occurs at a poorly conserved position in the protein, it is predicted to be benign by multiple in silico algorithms, and/or has population frequency not consistent with disease.